The following is an entry in ClinVar:

ClinVar aggregate classification (germline): Pathogenic (1 of 4 stars; one submission).

Submission:

GeneDx
Classification: Pathogenic. Last evaluated: 2017-03-10. Review status: criteria provided, single submitter. Criteria: GeneDx Variant Classification (06012015). Collection method: clinical testing. Allele origin: germline. Affected: yes.
Comment: The c.4160delT variant in the SCN1A gene causes a frameshift starting with codon Isoleucine 1387 and changes this amino acid to a Threonine residue and creates a premature Stop codon at position 4 of the new reading frame, denoted p.I1387TfsX4. This pathogenic variant is predicted to cause loss of normal protein function either through protein truncation or nonsense-mediated mRNA decay. The c.4160delT variant is not observed in large population cohorts (Lek et al., 2016; 1000 Genomes Consortium et al., 2015; Exome Variant Server).

NM_001165963.4(SCN1A):c.4160del (p.Ile1387fs)

Genes: SCN1A (sodium voltage-gated channel alpha subunit 1; minus strand), LOC102724058 (uncharacterized LOC102724058; plus strand). Cytogenetic location: 2q24.3.
Variant type: Deletion.
Coding change: c.4160del on transcript NM_001165963.4 (MANE Select); coding-DNA position 4160, one base deleted (T; older notation c.4160delT).
Protein change: p.Ile1387fs; shifts the reading frame from isoleucine 1387.
Molecular consequence: frameshift variant. On other transcripts: non-coding transcript variant (1).
Genome position (GRCh38, 1-based): chr2:166,002,596, A deleted on the plus strand (T on the coding strand, the reverse complement: SCN1A is on the minus strand). VCF-style (leftmost placement, unchanged base first): chr2-166002595-GA-G. GRCh37 (hg19) VCF-style: chr2-166859105-GA-G.
Other names: c.4076del, p.Ile1359fs (NM_001165964.3, NM_001353957.2, NM_001353958.2); c.4160del, p.Ile1387fs (NM_001202435.3, NM_001353948.2); c.4127del, p.Ile1376fs (NM_001353949.2, NM_001353950.2, NM_001353951.2 and 2 more transcripts); c.4124del, p.Ile1375fs (NM_001353954.2, NM_001353955.2); c.4073del, p.Ile1358fs (NM_001353960.2); c.1718del, p.Ile573fs (NM_001353961.2); short protein forms I1375fs, I1376fs, I573fs, I1358fs, I1359fs, I1387fs.
Identifiers: ClinVar variation 423953 (VCV000423953.2), dbSNP rs1064796714, ClinGen allele CA16617291.